The following is an entry in ClinVar:

NM_152594.3(SPRED1):c.989G>A (p.Gly330Asp)

Gene: SPRED1 (sprouty related EVH1 domain containing 1; plus strand). Cytogenetic location: 15q14.
Variant type: single nucleotide variant.
Coding change: c.989G>A on transcript NM_152594.3 (MANE Select); coding-DNA position 989, G replaced by A.
Protein change: p.Gly330Asp; replaces glycine 330 with aspartic acid.
Molecular consequence: missense variant.
Genome position (GRCh38, 1-based): chr15:38,351,318, G>A. VCF-style: chr15-38351318-G-A. GRCh37 (hg19) VCF-style: chr15-38643519-G-A.
Other names: c.989G>A (NM_152594.2); short protein forms G330D.
Identifiers: ClinVar variation 1470760 (VCV001470760.10), dbSNP rs1461391044, ClinGen allele CA391933697.

ClinVar aggregate classification (germline): Uncertain significance. Review status: criteria provided, multiple submitters, no conflicts (2 of 4 stars). 2 submissions from 2 submitters: Uncertain significance (2). Last evaluated 2025-01-30.

Conditions:
Cardiovascular phenotype. Identifiers: MedGen CN230736.
Legius syndrome. Identifiers: Orphanet 137605, MedGen C1969623, MONDO:0012669, OMIM 611431. Disease mechanism: loss of function.

Submissions (2):

Ambry Genetics
Classification: Uncertain significance for Cardiovascular phenotype. Last evaluated: 2025-01-30. Review status: criteria provided, single submitter. Criteria: Ambry Variant Classification Scheme 2023. Collection method: clinical testing. Allele origin: germline.
Comment: The p.G330D variant (also known as c.989G>A), located in coding exon 7 of the SPRED1 gene, results from a G to A substitution at nucleotide position 989. The glycine at codon 330 is replaced by aspartic acid, an amino acid with similar properties. This amino acid position is conserved. In addition, this alteration is predicted to be deleterious by in silico analysis. Since supporting evidence is limited at this time, the clinical significance of this alteration remains unclear.

Labcorp Genetics (formerly Invitae), Labcorp
Classification: Uncertain significance for Legius syndrome. Last evaluated: 2021-06-21. Review status: criteria provided, single submitter. Criteria: Invitae Variant Classification Sherloc (09022015). Collection method: clinical testing. Allele origin: germline.
Comment: In summary, the available evidence is currently insufficient to determine the role of this variant in disease. Therefore, it has been classified as a Variant of Uncertain Significance. Algorithms developed to predict the effect of missense changes on protein structure and function are either unavailable or do not agree on the potential impact of this missense change (SIFT: "Tolerated"; PolyPhen-2: "Probably Damaging"; Align-GVGD: "Class C0"). This variant has not been reported in the literature in individuals with SPRED1-related conditions. This variant is not present in population databases (ExAC no frequency). This sequence change replaces glycine with aspartic acid at codon 330 of the SPRED1 protein (p.Gly330Asp). The glycine residue is highly conserved and there is a moderate physicochemical difference between glycine and aspartic acid.